The following is an entry in ClinVar:

NM_032119.4(ADGRV1):c.18422A>G (p.Asn6141Ser)

Gene: ADGRV1 (adhesion G protein-coupled receptor V1; plus strand). Cytogenetic location: 5q14.3.
Variant type: single nucleotide variant.
Coding change: c.18422A>G on transcript NM_032119.4 (MANE Select); coding-DNA position 18422, A replaced by G.
Protein change: p.Asn6141Ser; replaces asparagine 6141 with serine.
Molecular consequence: missense variant. On other transcripts: non-coding transcript variant (1).
Genome position (GRCh38, 1-based): chr5:91,102,330, A>G. VCF-style: chr5-91102330-A-G. GRCh37 (hg19) VCF-style: chr5-90398147-A-G.
Other names: c.18422A>G (NM_032119.3); short protein forms N6141S.
Identifiers: ClinVar variation 1006443 (VCV001006443.10), dbSNP rs371895540, ClinGen allele CA3342640.

ClinVar aggregate classification (germline): Conflicting classifications of pathogenicity. Review status: criteria provided, conflicting classifications (1 of 4 stars). 2 submissions from 2 submitters: Uncertain significance (1); Likely benign (1). Last evaluated 2026-09-04.

Allele frequency attached by ClinVar (database versions not stated): ExAC below 0.00001; gnomAD exomes below 0.00001 and 0.00001; gnomAD 0.00003 and 0.00004; TOPMed 0.00004; ESP Exome Variant Server 0.00008.
gnomAD v4.1: 12 of 1,597,794 alleles (0.00075%); highest among the groups gnomAD compares: Middle Eastern, 0.017%; no homozygotes.

Submissions (2):

GeneDx
Classification: Uncertain significance. Last evaluated: 2026-09-04. Review status: criteria provided, single submitter. Criteria: GeneDx Variant Classification Process June 2021. Collection method: clinical testing. Allele origin: germline.
Comment: Not observed at significant frequency in large population cohorts (gnomAD); In silico analysis supports that this missense variant has a deleterious effect on protein structure/function; Has not been previously published as pathogenic or benign to our knowledge

Labcorp Genetics (formerly Invitae), Labcorp
Classification: Likely benign. Last evaluated: 2025-09-09. Review status: criteria provided, single submitter. Criteria: Invitae Variant Classification Sherloc (09022015). Collection method: clinical testing. Allele origin: germline.